The following is an entry in ClinVar:

NM_003467.3(CXCR4):c.437G>A (p.Arg146Lys)

Gene: CXCR4 (C-X-C motif chemokine receptor 4; minus strand). Cytogenetic location: 2q22.1.
Variant type: single nucleotide variant.
Coding change: c.437G>A on transcript NM_003467.3 (MANE Select); coding-DNA position 437, G replaced by A.
Protein change: p.Arg146Lys; replaces arginine 146 with lysine.
Molecular consequence: missense variant.
Genome position (GRCh38, 1-based): chr2:136,115,491, C>T on the plus strand (G>A on the coding strand, the complement: CXCR4 is on the minus strand). VCF-style: chr2-136115491-C-T. GRCh37 (hg19) VCF-style: chr2-136873061-C-T.
Other names: c.449G>A, p.Arg150Lys (NM_001008540.2); c.650G>A, p.Arg217Lys (NM_001348056.2); c.536G>A, p.Arg179Lys (NM_001348059.2); c.392G>A, p.Arg131Lys (NM_001348060.2); short protein forms R131K, R150K, R146K, R179K, R217K.
Identifiers: ClinVar variation 2111957 (VCV002111957.4), dbSNP rs542113929, ClinGen allele CA1890119.

ClinVar aggregate classification (germline): Uncertain significance (1 of 4 stars; one submission).

Conditions:
Warts, hypogammaglobulinemia, infections, and myelokathexis. Also called: WHIM syndrome. Identifiers: MedGen C0472817, MONDO:0023880.

Allele frequency attached by ClinVar (database versions not stated): 1000 Genomes Project 30x 0.00016; 1000 Genomes Project 0.00020; gnomAD 0.00001; ExAC 0.00002.
gnomAD v4.1: 3 of 1,614,198 alleles (0.00019%); highest among the groups gnomAD compares: South Asian, 0.0033%; no homozygotes.

Submission:

Labcorp Genetics (formerly Invitae), Labcorp
Classification: Uncertain significance for Warts, hypogammaglobulinemia, infections, and myelokathexis. Last evaluated: 2022-03-14. Review status: criteria provided, single submitter. Criteria: Invitae Variant Classification Sherloc (09022015). Collection method: clinical testing. Allele origin: germline.
Comment: This sequence change replaces arginine, which is basic and polar, with lysine, which is basic and polar, at codon 146 of the CXCR4 protein (p.Arg146Lys). This variant is present in population databases (rs542113929, gnomAD 0.006%). This variant has not been reported in the literature in individuals affected with CXCR4-related conditions. Algorithms developed to predict the effect of missense changes on protein structure and function output the following: SIFT: "Tolerated"; PolyPhen-2: "Benign"; Align-GVGD: "Class C0". The lysine amino acid residue is found in multiple mammalian species, which suggests that this missense change does not adversely affect protein function. In summary, the available evidence is currently insufficient to determine the role of this variant in disease. Therefore, it has been classified as a Variant of Uncertain Significance.